The following is an entry in ClinVar:

ClinVar aggregate classification (germline): Benign. Review status: reviewed by expert panel (3 of 4 stars). 26 submissions from 26 submitters: Benign (1). 25 of the submissions do not count toward it. Last evaluated 2019-06-18.

Conditions:
BRCA2-related cancer predisposition. Identifiers: MedGen CN377758, MONDO:0700269.
Inherited prostate cancer.
BRCA2-related disorder. Also called: BRCA2-related condition; BRCA2-related disorders. Identifiers: MedGen CN239275.
Hereditary cancer-predisposing syndrome. Also called: Neoplastic Syndromes, Hereditary; Hereditary neoplastic syndrome; Tumor predisposition; Hereditary Cancer Syndrome. Identifiers: Orphanet 140162, MedGen C0027672, MeSH D009386, MONDO:0015356.
Breast and/or ovarian cancer. Identifiers: MedGen CN221562.
Hereditary breast ovarian cancer syndrome. Also called: Hereditary breast and/or ovarian cancer syndrome; Breast and ovarian cancer; BRCA1- and BRCA2-Associated Hereditary Breast and Ovarian Cancer; Hereditary breast and ovarian cancer; Hereditary breast and ovarian cancer syndrome; Hereditary breast and ovarian cancer syndrome (HBOC). Identifiers: Orphanet 145, MedGen C0677776, MeSH D061325, MONDO:0003582. Disease mechanism: loss of function.
Breast-ovarian cancer, familial, susceptibility to, 2 (BROVCA2). Also called: BRCA2 Hereditary Breast and Ovarian Cancer. Identifiers: Orphanet 145, MedGen C2675520, MONDO:0012933, OMIM 612555. Disease mechanism: loss of function.
Malignant tumor of breast. Also called: Cancer breast; Malignant breast neoplasm. Identifiers: MedGen C0006142, MONDO:0007254. Disease mechanism: loss of function.

Allele frequency attached by ClinVar (database versions not stated): gnomAD exomes 0.00010; 1000 Genomes Project 0.00020; 1000 Genomes Project 30x 0.00047; gnomAD 0.00076 and 0.00088; ESP Exome Variant Server 0.00100; TOPMed 0.00103.
gnomAD v4.1: 257 of 1,613,272 alleles (0.016%); highest among the groups gnomAD compares: African/African-American, 0.33%; no homozygotes.

Submissions 1 to 20 of 26:

Evidence-based Network for the Interpretation of Germline Mutant Alleles (ENIGMA)
Classification: Benign for Breast-ovarian cancer, familial, susceptibility to, 2. Last evaluated: 2019-06-18. Review status: reviewed by expert panel. Criteria: ENIGMA BRCA1/2 Classification Criteria (2017-06-29). Collection method: curation. Allele origin: germline.
Comment: Variant allele has low bioinformatic likelihood to encode a missense alteration affecting protein function (Missense prior probability 0.02), AND low bioinformatic likelihood to alter mRNA splicing (splicing prior 0.02), AND minor allele frequency 0.00310 (African), derived from gnomAD v2.1.1 non-cancer (2019-05-13).

Cambridge Genomics Laboratory, East Genomic Laboratory Hub, NHS Genomic Medicine Service
Classification: Benign for Inherited prostate cancer. Last evaluated: 2026-06-23. Review status: criteria provided, single submitter. Criteria: ACGS Best Practice Guidelines for Variant Classification in Rare Disease 2020. Collection method: clinical testing. Allele origin: germline. Affected: yes. Not counted in ClinVar's aggregate classification.
Comment: BS1_Strong,BP1_Strong,BP5

Dasa
Classification: Benign for Breast-ovarian cancer, familial, susceptibility to, 2. Last evaluated: 2026-04-16. Review status: criteria provided, single submitter. Criteria: DASA Assertion Criteria. Collection method: clinical testing. Allele origin: germline. Not counted in ClinVar's aggregate classification.
Comment: NM_000059.4(BRCA2):c.5768A>C (p.Asp1923Ala) is a missense variant that results in the substitution of aspartic acid with alanine. Population frequency is inconsistent with a disease-causing role for this variant. Therefore, based on the currently available evidence, this variant is classified as benign.

Labcorp Genetics (formerly Invitae), Labcorp
Classification: Benign for Hereditary breast ovarian cancer syndrome. Last evaluated: 2026-02-02. Review status: criteria provided, single submitter. Criteria: Invitae Variant Classification Sherloc (09022015). Collection method: clinical testing. Allele origin: germline. Not counted in ClinVar's aggregate classification.

Mayo Clinic Laboratories, Mayo Clinic
Classification: Benign. Last evaluated: 2025-04-08. Review status: criteria provided, single submitter. Criteria: ACMG Guidelines, 2015. Collection method: clinical testing. Allele origin: germline. Observed: 1 variant allele. Not counted in ClinVar's aggregate classification.
Comment: BA1, BP7_strong

All of Us Research Program, National Institutes of Health
Classification: Benign for BRCA2-related cancer predisposition. Last evaluated: 2024-09-23. Review status: criteria provided, single submitter. Criteria: ACMG Guidelines, 2015. Collection method: clinical testing. Allele origin: germline. Inheritance: Autosomal dominant inheritance. Observed: 70 variant alleles, 70 heterozygotes. Not counted in ClinVar's aggregate classification.
Comment: This study involves interpretation of variants in research participants for the purpose of population health screening. Participant phenotype was not available at the time of variant classification. Additional details can be found in publication PMID: 35346344, PMCID: PMC8962531

Blueprint Genetics
Classification: Likely benign. Last evaluated: 2024-06-28. Review status: criteria provided, single submitter. Criteria: ACMG Guidelines, 2015. Collection method: clinical testing. Allele origin: germline. Not counted in ClinVar's aggregate classification.

Institute for Biomarker Research, Medical Diagnostic Laboratories, L.L.C.
Classification: Benign for Hereditary breast ovarian cancer syndrome. Last evaluated: 2023-06-27. Review status: criteria provided, single submitter. Criteria: ACMG Guidelines, 2015. Collection method: clinical testing. Allele origin: germline. Not counted in ClinVar's aggregate classification.

ARUP Laboratories, Molecular Genetics and Genomics, ARUP Laboratories
Classification: Likely benign. Last evaluated: 2022-12-28. Review status: criteria provided, single submitter. Criteria: ARUP Molecular Germline Variant Investigation Process 2024. Collection method: clinical testing. Allele origin: germline. Not counted in ClinVar's aggregate classification.

Genetics Program, Instituto Nacional de Cancer
Classification: Likely benign for Hereditary breast ovarian cancer syndrome. Last evaluated: 2021-11-01. Review status: criteria provided, single submitter. Criteria: ACMG Guidelines, 2015. Collection method: research. Allele origin: germline. Affected: yes. Not counted in ClinVar's aggregate classification.

Genetic Services Laboratory, University of Chicago
Classification: Benign. Last evaluated: 2021-03-05. Review status: criteria provided, single submitter. Criteria: ACMG Guidelines, 2015. Collection method: clinical testing. Allele origin: germline. Affected: no. Not counted in ClinVar's aggregate classification.

Sema4
Classification: Likely benign for Hereditary cancer-predisposing syndrome. Last evaluated: 2021-02-17. Review status: criteria provided, single submitter. Criteria: Sema4 Curation Guidelines. Collection method: curation. Allele origin: germline. Not counted in ClinVar's aggregate classification.

GeneDx
Classification: Likely benign. Last evaluated: 2021-01-07. Review status: criteria provided, single submitter. Criteria: GeneDx Variant Classification Process June 2021. Collection method: clinical testing. Allele origin: germline. Affected: yes. Not counted in ClinVar's aggregate classification.
Comment: This variant is associated with the following publications: (PMID: 10800284, 23555315, 21520273, 18284688, 25348012, 25801821, 23704879, 22034289, 20104584)

CHEO Genetics Diagnostic Laboratory, Children's Hospital of Eastern Ontario
Classification: Likely benign for Breast and/or ovarian cancer. Last evaluated: 2017-08-31. Review status: criteria provided, single submitter. Criteria: ACMG Guidelines, 2015. Collection method: clinical testing. Allele origin: germline. Study: Canadian Open Genetics Repository. Not counted in ClinVar's aggregate classification.

Women's Health and Genetics/Laboratory Corporation of America, LabCorp
Classification: Likely benign for Hereditary breast ovarian cancer syndrome. Last evaluated: 2016-05-16. Review status: criteria provided, single submitter. Criteria: LabCorp Variant Classification Summary - May 2015. Collection method: clinical testing. Allele origin: germline. Not counted in ClinVar's aggregate classification.
Comment: Variant summary: The BRCA2 c.5768A>C (p.Asp1923Ala) variant involves the alteration of a non-conserved nucleotide. 3/5 in silico tools predict a damaging outcome for this variant. This variant was found in 34/121054 control chromosomes, predominantly observed in the African subpopulation at a frequency of 0.0032372 (33/10194). This frequency is about 4 times the estimated maximal expected allele frequency of a pathogenic BRCA2 variant (0.0007503), suggesting this is likely a benign polymorphism found primarily in the populations of African origin. One co-occurrence with BRCA1 c.2679_2682delGAAA was found in one individual (BRCA Share database). In addition, multiple clinical diagnostic laboratories/reputable databases classified this variant as likely benign/benign. Taken together, this variant is classified as likely benign.

Molecular Genetics Laboratory, University of Michigan
Classification: Likely benign for Breast-ovarian cancer, familial, susceptibility to, 2. Last evaluated: 2016-04-21. Review status: criteria provided, single submitter. Criteria: ACMG Guidelines, 2015. Collection method: clinical testing. Allele origin: germline. Affected: yes. Not counted in ClinVar's aggregate classification.

Color Diagnostics, LLC DBA Color Health
Classification: Benign for Hereditary cancer-predisposing syndrome. Last evaluated: 2016-01-07. Review status: criteria provided, single submitter. Criteria: ACMG Guidelines, 2015. Collection method: clinical testing. Allele origin: germline. Not counted in ClinVar's aggregate classification.

Ambry Genetics
Classification: Benign for Hereditary cancer-predisposing syndrome. Last evaluated: 2014-11-19. Review status: criteria provided, single submitter. Criteria: Ambry Variant Classification Scheme 2023. Collection method: clinical testing. Allele origin: germline. Not counted in ClinVar's aggregate classification.

PreventionGenetics, part of Exact Sciences
Classification: Likely benign for BRCA2-related condition. Last evaluated: 2019-08-28. Review status: no assertion criteria provided. Collection method: clinical testing. Allele origin: germline. Not counted in ClinVar's aggregate classification.
Comment: This variant is classified as likely benign based on ACMG/AMP sequence variant interpretation guidelines (Richards et al. 2015 PMID: 25741868, with internal and published modifications).

Sharing Clinical Reports Project (SCRP)
Classification: Benign for Breast-ovarian cancer, familial 2. Last evaluated: 2009-02-23. Review status: no assertion criteria provided. Collection method: clinical testing. Allele origin: germline. Not counted in ClinVar's aggregate classification.

NM_000059.4(BRCA2):c.5768A>C (p.Asp1923Ala)

Gene: BRCA2 (BRCA2 DNA repair associated; plus strand). Cytogenetic location: 13q13.1.
Variant type: single nucleotide variant.
Coding change: c.5768A>C on transcript NM_000059.4 (MANE Select); coding-DNA position 5768, A replaced by C.
Protein change: p.Asp1923Ala; replaces aspartic acid 1923 with alanine.
Molecular consequence: missense variant.
Genome position (GRCh38, 1-based): chr13:32,340,123, A>C. VCF-style: chr13-32340123-A-C. GRCh37 (hg19) VCF-style: chr13-32914260-A-C.
Other names: p.D1923A:GAC>GCC; 5996A>C; short protein forms D1923A.
Identifiers: ClinVar variation 37995 (VCV000037995.72), dbSNP rs45491005, ClinGen allele CA023191.